The following is an entry in ClinVar:

ClinVar aggregate classification (germline): Likely pathogenic (1 of 4 stars; one submission).

Submission:

Labcorp Genetics (formerly Invitae), Labcorp
Classification: Likely pathogenic. Last evaluated: 2022-06-10. Review status: criteria provided, single submitter. Criteria: Invitae Variant Classification Sherloc (09022015). Collection method: clinical testing. Allele origin: germline.
Comment: This variant results in a copy number gain of the genomic region encompassing exon(s) 9-11 of the TULP1 gene. While the exact position of this variant cannot be determined from the data, sub-genic copy number gains are generally in tandem (PMID: 25640679). This variant is predicted to be out-of-frame, and may result in an absent or disrupted protein product. Loss-of-function variants in TULP1 are known to be pathogenic (PMID: 8606774, 10549638, 15024725, 18055821). This variant has not been reported in the literature in individuals affected with TULP1-related conditions. In summary, the currently available evidence indicates that the variant is pathogenic, but additional data are needed to prove that conclusively. Therefore, this variant has been classified as Likely Pathogenic.

Literature cited by the submitters: PubMed 25640679; PubMed 8606774; PubMed 10549638; PubMed 15024725; PubMed 18055821.

NC_000006.11:g.(?_35473498)_(35474076_?)dup

Gene: TULP1 (TUB like protein 1; minus strand). Cytogenetic location: 6p21.31.
Variant type: Duplication.
Identifiers: ClinVar variation 1509107 (VCV001509107.5).